The following is an entry in ClinVar:

NM_001298.3(CNGA3):c.245G>A (p.Arg82Lys)

Gene: CNGA3 (cyclic nucleotide gated channel subunit alpha 3; plus strand). Cytogenetic location: 2q11.2.
Variant type: single nucleotide variant.
Coding change: c.245G>A on transcript NM_001298.3 (MANE Select); coding-DNA position 245, G replaced by A.
Protein change: p.Arg82Lys; replaces arginine 82 with lysine.
Molecular consequence: missense variant.
Genome position (GRCh38, 1-based): chr2:98,380,204, G>A. VCF-style: chr2-98380204-G-A. GRCh37 (hg19) VCF-style: chr2-98996667-G-A.
Other names: c.245G>A, p.Arg82Lys (NM_001079878.2); short protein forms R82K.
Identifiers: ClinVar variation 1490448 (VCV001490448.6), dbSNP rs377322770, ClinGen allele CA1793678.

ClinVar aggregate classification (germline): Uncertain significance (1 of 4 stars; one submission).

Allele frequency attached by ClinVar (database versions not stated): gnomAD exomes below 0.00001 and 0.00001; ExAC 0.00001; gnomAD 0.00004; TOPMed 0.00005; ESP Exome Variant Server 0.00015.

Submission:

Labcorp Genetics (formerly Invitae), Labcorp
Classification: Uncertain significance. Last evaluated: 2023-08-04. Review status: criteria provided, single submitter. Criteria: Invitae Variant Classification Sherloc (09022015). Collection method: clinical testing. Allele origin: germline.
Comment: In summary, the available evidence is currently insufficient to determine the role of this variant in disease. Therefore, it has been classified as a Variant of Uncertain Significance. This sequence change replaces arginine, which is basic and polar, with lysine, which is basic and polar, at codon 82 of the CNGA3 protein (p.Arg82Lys). This variant is present in population databases (rs377322770, gnomAD 0.01%). Algorithms developed to predict the effect of sequence changes on RNA splicing suggest that this variant may disrupt the consensus splice site. Advanced modeling of protein sequence and biophysical properties (such as structural, functional, and spatial information, amino acid conservation, physicochemical variation, residue mobility, and thermodynamic stability) performed at Invitae indicates that this missense variant is not expected to disrupt CNGA3 protein function. ClinVar contains an entry for this variant (Variation ID: 1490448). This variant has not been reported in the literature in individuals affected with CNGA3-related conditions.